The following is an entry in ClinVar:

NM_006914.4(RORB):c.41dup (p.Asp15fs)

Gene: RORB (RAR related orphan receptor B; plus strand). Cytogenetic location: 9q21.13.
Variant type: Duplication.
Coding change: c.41dup on transcript NM_006914.4 (MANE Select); coding-DNA position 41, one base duplicated (G; older notation c.41dupG).
Protein change: p.Asp15fs; shifts the reading frame from aspartic acid 15.
Molecular consequence: frameshift variant.
Genome position (GRCh38, 1-based): chr9:74,630,315, G duplicated; the last of 2 consecutive G bases (chr9:74,630,314-74,630,315); duplicating either gives the same sequence. VCF-style (leftmost placement, unchanged base first): chr9-74630313-T-TG. GRCh37 (hg19) VCF-style: chr9-77245229-T-TG.
Other names: c.74dup, p.Asp26fs (NM_001365023.1); short protein forms D15fs, D26fs.
Identifiers: ClinVar variation 2134793 (VCV002134793.4), dbSNP rs2489556719, ClinGen allele CA2580080551.

ClinVar aggregate classification (germline): Pathogenic (1 of 4 stars; one submission).

Submission:

Labcorp Genetics (formerly Invitae), Labcorp
Classification: Pathogenic. Last evaluated: 2022-05-06. Review status: criteria provided, single submitter. Criteria: Invitae Variant Classification Sherloc (09022015). Collection method: clinical testing. Allele origin: germline.
Comment: This sequence change creates a premature translational stop signal (p.Asp15Argfs*2) in the RORB gene. It is expected to result in an absent or disrupted protein product. Loss-of-function variants in RORB are known to be pathogenic (PMID: 27352968). This variant is not present in population databases (gnomAD no frequency). This variant has not been reported in the literature in individuals affected with RORB-related conditions. For these reasons, this variant has been classified as Pathogenic.

Literature cited by the submitters: PubMed 27352968.